The following is an entry in ClinVar:

ClinVar aggregate classification (germline): Conflicting classifications of pathogenicity. Review status: criteria provided, conflicting classifications (1 of 4 stars). 3 submissions from 3 submitters: Uncertain significance (2); Benign (1). Last evaluated 2025-10-15.

Conditions:
SETX-related disorder. Also called: SETX-related disorders; SETX-related condition. Identifiers: MedGen CN239403.
Spinocerebellar ataxia, autosomal recessive, with axonal neuropathy 2 (SCAN2). Also called: Ataxia with Oculomotor Apraxia; ATAXIA-OCULOMOTOR APRAXIA 2; Ataxia-ocular apraxia-2; Ataxia with Oculomotor Apraxia Type 2. Identifiers: Orphanet 64753, MedGen C1853761, MONDO:0018996, OMIM 606002.
Amyotrophic lateral sclerosis type 4 (ALS4). Also called: NEURONOPATHY, DISTAL HEREDITARY MOTOR, WITH PYRAMIDAL FEATURES; AMYOTROPHIC LATERAL SCLEROSIS 4, JUVENILE. Identifiers: Orphanet 357043, MedGen C1865409, MONDO:0011223, OMIM 602433.

Allele frequency attached by ClinVar (database versions not stated): gnomAD 0.00001; gnomAD exomes 0.00001 and 0.00004; ExAC 0.00002; TOPMed 0.00004.
gnomAD v4.1: 19 of 1,613,702 alleles (0.0012%); highest among the groups gnomAD compares: Admixed American, 0.018%; no homozygotes.

Submissions (3):

PreventionGenetics, part of Exact Sciences
Classification: Uncertain significance for SETX-related condition. Last evaluated: 2025-10-15. Review status: criteria provided, single submitter. Criteria: ACMG Guidelines, 2015. Collection method: clinical testing. Allele origin: germline.
Comment: The SETX c.3602T>C variant is predicted to result in the amino acid substitution p.Ile1201Thr. To our knowledge, this variant has not been reported in the literature. This variant is reported in 0.028% of alleles in individuals of Latino descent in gnomAD. At this time, the clinical significance of this variant is uncertain due to the absence of conclusive functional and genetic evidence.

Labcorp Genetics (formerly Invitae), Labcorp
Classification: Benign for Amyotrophic lateral sclerosis type 4; Spinocerebellar ataxia, autosomal recessive, with axonal neuropathy 2. Last evaluated: 2024-12-30. Review status: criteria provided, single submitter. Criteria: Invitae Variant Classification Sherloc (09022015). Collection method: clinical testing. Allele origin: germline.

Athena Diagnostics
Classification: Uncertain significance. Last evaluated: 2023-06-21. Review status: criteria provided, single submitter. Criteria: Athena Diagnostics Criteria. Collection method: clinical testing. Allele origin: unknown.
Comment: Available data are insufficient to determine the clinical significance of the variant at this time. The frequency of this variant in the general population is higher than would generally be expected for pathogenic variants in this gene. Computational tools predict that this variant is not damaging.

NM_015046.7(SETX):c.3602T>C (p.Ile1201Thr)

Gene: SETX (senataxin; minus strand). Cytogenetic location: 9q34.13.
Variant type: single nucleotide variant.
Coding change: c.3602T>C on transcript NM_015046.7 (MANE Select); coding-DNA position 3602, T replaced by C.
Protein change: p.Ile1201Thr; replaces isoleucine 1201 with threonine.
Molecular consequence: missense variant.
Genome position (GRCh38, 1-based): chr9:132,327,996, A>G on the plus strand (T>C on the coding strand, the complement: SETX is on the minus strand). VCF-style: chr9-132327996-A-G. GRCh37 (hg19) VCF-style: chr9-135203383-A-G.
Other names: c.3602T>C, p.Ile1201Thr (NM_001351527.2, NM_001351528.2); short protein forms I1201T.
Identifiers: ClinVar variation 448324 (VCV000448324.6), dbSNP rs750443804, ClinGen allele CA5297364.
Genomic context (GRCh38, chr9:132,327,996, plus strand): 5'-TTTTGTGAAACCGTAGTGGCTCTCTGAATACGTGAATTGGGAGTTGAAGTCCTTCTATCA[A>G]TACTTTTAAAATCATTTCCCACAAGATCTCTCTTATTAGTATCAGACTGGCCCTCATTTC-3'
Protein context (NP_055861.3, residues 1191-1211): RDLVGNDFKS[Ile1201Thr]DRRTSTPNSR